The following is an entry in ClinVar:

ClinVar aggregate classification (germline): Uncertain significance (1 of 4 stars; one submission).

Conditions:
Brugada syndrome. Also called: Sudden unexplained nocturnal death syndrome; Sudden unexpected nocturnal death syndrome; Sudden Unexplained Death Syndrome; Sudden Unexplained Nocturnal Death Syndrome (SUNDS). Identifiers: Orphanet 130, MedGen C1142166, MONDO:0015263.

Submission:

Labcorp Genetics (formerly Invitae), Labcorp
Classification: Uncertain significance for Brugada syndrome. Last evaluated: 2022-06-19. Review status: criteria provided, single submitter. Criteria: Invitae Variant Classification Sherloc (09022015). Collection method: clinical testing. Allele origin: germline.
Comment: This variant is not present in population databases (gnomAD no frequency). This variant has not been reported in the literature in individuals affected with SCN10A-related conditions. Algorithms developed to predict the effect of sequence changes on RNA splicing suggest that this variant may disrupt the consensus splice site. In summary, the available evidence is currently insufficient to determine the role of this variant in disease. Therefore, it has been classified as a Variant of Uncertain Significance. This sequence change falls in intron 10 of the SCN10A gene. It does not directly change the encoded amino acid sequence of the SCN10A protein.

NM_006514.4(SCN10A):c.1461+14del

Gene: SCN10A (sodium voltage-gated channel alpha subunit 10; minus strand). Cytogenetic location: 3p22.2.
Variant type: Deletion.
Coding change: c.1461+14del on transcript NM_006514.4 (MANE Select); 14 bases into the intron after coding-DNA position 1461, one base deleted (G; older notation c.1461+14delG).
Molecular consequence: intron variant.
Genome position (GRCh38, 1-based): chr3:38,755,774, C deleted on the plus strand (G on the coding strand, the reverse complement: SCN10A is on the minus strand); the first of 2 consecutive C bases (chr3:38,755,774-38,755,775); deleting either gives the same sequence. VCF-style (leftmost placement, unchanged base first): chr3-38755773-AC-A. GRCh37 (hg19) VCF-style: chr3-38797264-AC-A.
Other names: c.1461+14del (NM_001293307.2, NM_001293306.2).
Identifiers: ClinVar variation 2418152 (VCV002418152.5), dbSNP rs1344393739, ClinGen allele CA906853847.